The following is an entry in ClinVar:

ClinVar aggregate classification (germline): Uncertain significance (1 of 4 stars; one submission).

Conditions:
Developmental and epileptic encephalopathy 94 (DEE94). Also called: CHD2-Related Neurodevelopmental Disorders; Epileptic encephalopathy, childhood-onset. Identifiers: Orphanet 1942, Orphanet 2382, MedGen C3809278, MONDO:0014150, OMIM 615369.

Submission:

Labcorp Genetics (formerly Invitae), Labcorp
Classification: Uncertain significance for Developmental and epileptic encephalopathy 94. Last evaluated: 2022-11-12. Review status: criteria provided, single submitter. Criteria: Invitae Variant Classification Sherloc (09022015). Collection method: clinical testing. Allele origin: germline.
Comment: This sequence change replaces proline, which is neutral and non-polar, with serine, which is neutral and polar, at codon 990 of the CHD2 protein (p.Pro990Ser). This variant is not present in population databases (gnomAD no frequency). This variant has not been reported in the literature in individuals affected with CHD2-related conditions. Advanced modeling of protein sequence and biophysical properties (such as structural, functional, and spatial information, amino acid conservation, physicochemical variation, residue mobility, and thermodynamic stability) performed at Invitae indicates that this missense variant is not expected to disrupt CHD2 protein function. In summary, the available evidence is currently insufficient to determine the role of this variant in disease. Therefore, it has been classified as a Variant of Uncertain Significance.

NM_001271.4(CHD2):c.2968C>T (p.Pro990Ser)

Genes: CHD2 (chromodomain helicase DNA binding protein 2; plus strand), LOC126862230 (P300/CBP strongly-dependent group 1 enhancer GRCh37_chr15:93523977-93525176; plus strand). Cytogenetic location: 15q26.1.
Variant type: single nucleotide variant.
Coding change: c.2968C>T on transcript NM_001271.4 (MANE Select); coding-DNA position 2968, C replaced by T.
Protein change: p.Pro990Ser; replaces proline 990 with serine.
Molecular consequence: missense variant.
Genome position (GRCh38, 1-based): chr15:92,980,906, C>T. VCF-style: chr15-92980906-C-T. GRCh37 (hg19) VCF-style: chr15-93524136-C-T.
Other names: short protein forms P990S.
Identifiers: ClinVar variation 2813878 (VCV002813878.3), dbSNP rs2505550024, ClinGen allele CA393894804.